The following is an entry in ClinVar:

ClinVar aggregate classification (germline): Uncertain significance. Review status: criteria provided, multiple submitters, no conflicts (2 of 4 stars). 2 submissions from 2 submitters: Uncertain significance (2). Last evaluated 2025-11-24.

Conditions:
Hereditary cancer-predisposing syndrome. Also called: Tumor predisposition; Neoplastic Syndromes, Hereditary; Hereditary neoplastic syndrome; Hereditary Cancer Syndrome. Identifiers: Orphanet 140162, MedGen C0027672, MeSH D009386, MONDO:0015356.
Tietz syndrome (TADS). Also called: ALBINISM-DEAFNESS OF TIETZ; HYPOPIGMENTATION/DEAFNESS OF TIETZ; TIETZ ALBINISM-DEAFNESS SYNDROME. Identifiers: Orphanet 42665, MedGen C0391816, MONDO:0007077, OMIM 103500.
Waardenburg syndrome type 2A (WS2A). Also called: WAARDENBURG SYNDROME WITHOUT DYSTOPIA CANTHORUM. Identifiers: Orphanet 3440, MedGen C1860339, MONDO:0008671, OMIM 193510.
Melanoma, cutaneous malignant, susceptibility to, 8. Also called: MELANOMA AND RENAL CELL CARCINOMA, SUSCEPTIBILITY TO; Cutaneous malignant melanoma 8. Identifiers: Orphanet 293822, MedGen C3152204, MONDO:0013759, OMIM 614456.

Submissions (2):

Labcorp Genetics (formerly Invitae), Labcorp
Classification: Uncertain significance for Melanoma, cutaneous malignant, susceptibility to, 8; Waardenburg syndrome type 2A; Tietz syndrome. Last evaluated: 2025-11-24. Review status: criteria provided, single submitter. Criteria: Invitae Variant Classification Sherloc (09022015). Collection method: clinical testing. Allele origin: germline.
Comment: This sequence change replaces threonine, which is neutral and polar, with lysine, which is basic and polar, at codon 344 of the MITF protein (p.Thr344Lys). This variant is not present in population databases (gnomAD no frequency). This variant has not been reported in the literature in individuals affected with MITF-related conditions. ClinVar contains an entry for this variant (Variation ID: 4108323). Invitae Evidence Modeling of protein sequence and biophysical properties (such as structural, functional, and spatial information, amino acid conservation, physicochemical variation, residue mobility, and thermodynamic stability) indicates that this missense variant is not expected to disrupt MITF protein function with a negative predictive value of 80%. In summary, the available evidence is currently insufficient to determine the role of this variant in disease. Therefore, it has been classified as a Variant of Uncertain Significance.

Ambry Genetics
Classification: Uncertain significance for Hereditary cancer-predisposing syndrome. Last evaluated: 2025-09-05. Review status: criteria provided, single submitter. Criteria: Ambry Variant Classification Scheme 2023. Collection method: clinical testing. Allele origin: germline.

NM_001354604.2(MITF):c.1352C>A (p.Thr451Lys)

Gene: MITF (melanocyte inducing transcription factor; plus strand). Cytogenetic location: 3p13.
Variant type: single nucleotide variant.
Coding change: c.1352C>A on transcript NM_001354604.2 (MANE Select); coding-DNA position 1352, C replaced by A.
Protein change: p.Thr451Lys; replaces threonine 451 with lysine.
Molecular consequence: missense variant.
Genome position (GRCh38, 1-based): chr3:69,965,019, C>A. VCF-style: chr3-69965019-C-A. GRCh37 (hg19) VCF-style: chr3-70014170-C-A.
Other names: c.1283C>A, p.Thr428Lys (NM_001354607.2); c.1178C>A, p.Thr393Lys (NM_001354608.2, NM_001184967.2); c.1331C>A, p.Thr444Lys (NM_006722.3, NM_001354606.2); c.1013C>A, p.Thr338Lys (NM_198158.3); c.1334C>A, p.Thr445Lys (NM_198159.3); c.1286C>A, p.Thr429Lys (NM_198177.3); c.845C>A, p.Thr282Lys (NM_198178.3); c.1031C>A, p.Thr344Lys (NM_000248.4); and 1 more; short protein forms T338K, T429K, T445K, T450K, T428K, T282K, T344K, T393K.
Identifiers: ClinVar variation 4108323 (VCV004108323.2).
Genomic context (GRCh38, chr3:69,965,019, plus strand): 5'-GCAGCCAAGACCTCCTTCAGCATCATGCAGACCTAACCTGTACAACAACTCTCGATCTCA[C>A]GGATGGCACCATCACCTTCAACAACAACCTCGGAACTGGGACTGAGGCCAACCAAGCCTA-3'
Protein context (NP_001341533.1, residues 441-461): DLTCTTTLDL[Thr451Lys]DGTITFNNNL